The following is an entry in ClinVar:

NM_003579.4(RAD54L):c.184C>A (p.Pro62Thr)

Gene: RAD54L (RAD54 like; plus strand). Cytogenetic location: 1p34.1.
Variant type: single nucleotide variant.
Coding change: c.184C>A on transcript NM_003579.4 (MANE Select); coding-DNA position 184, C replaced by A.
Protein change: p.Pro62Thr; replaces proline 62 with threonine.
Molecular consequence: missense variant. On other transcripts: 5 prime UTR variant (1).
Genome position (GRCh38, 1-based): chr1:46,250,093, C>A. VCF-style: chr1-46250093-C-A. GRCh37 (hg19) VCF-style: chr1-46715765-C-A.
Other names: c.184C>A, p.Pro62Thr (NM_001142548.2); c.-357C>A (NM_001370766.1); short protein forms P62T.
Identifiers: ClinVar variation 1781296 (VCV001781296.2), dbSNP rs1659756967, ClinGen allele CA340176386.

ClinVar aggregate classification (germline): Uncertain significance (1 of 4 stars; one submission).

Submission:

Ambry Genetics
Classification: Uncertain significance. Last evaluated: 2022-03-07. Review status: criteria provided, single submitter. Criteria: Ambry Variant Classification Scheme 2023. Collection method: clinical testing. Allele origin: germline.
Comment: The p.P62T variant (also known as c.184C>A), located in coding exon 3 of the RAD54L gene, results from a C to A substitution at nucleotide position 184. The proline at codon 62 is replaced by threonine, an amino acid with highly similar properties. This amino acid position is conserved. In addition, this alteration is predicted to be tolerated by in silico analysis. Since supporting evidence is limited at this time, the clinical significance of this alteration remains unclear.